The following is an entry in ClinVar:

NM_006265.3(RAD21):c.444_452dup (p.Gly150_Asn151insLysValGly)

Gene: RAD21 (RAD21 cohesin complex component; minus strand). Cytogenetic location: 8q24.11.
Variant type: Duplication.
Coding change: c.444_452dup on transcript NM_006265.3 (MANE Select); coding-DNA positions 444 to 452, 9 bases duplicated (AGTTGGGAA; older notation c.444_452dupAGTTGGGAA).
Protein change: p.Gly150_Asn151insLysValGly.
Molecular consequence: inframe insertion. On other transcripts: inframe indel (1).
Genome position (GRCh38, 1-based): chr8:116,858,381-116,858,389, TTCCCAACT duplicated on the plus strand (AGTTGGGAA on the coding strand, the reverse complement: RAD21 is on the minus strand); duplicating any 9 consecutive bases within chr8:116,858,381-116,858,390 gives the same sequence; the c. name uses the placement nearest the transcript's 3' end. VCF-style (leftmost placement, unchanged base first): chr8-116858380-G-GTTCCCAACT. GRCh37 (hg19) VCF-style: chr8-117870619-G-GTTCCCAACT.
Other names: c.444_452dup (NM_006265.2).
Identifiers: ClinVar variation 2443543 (VCV002443543.1), dbSNP rs2537299242, ClinGen allele CA2580078553.

ClinVar aggregate classification (germline): Uncertain significance (1 of 4 stars; one submission).

Submission:

GeneDx
Classification: Uncertain significance. Last evaluated: 2022-09-21. Review status: criteria provided, single submitter. Criteria: GeneDx Variant Classification Process June 2021. Collection method: clinical testing. Allele origin: germline. Affected: yes.
Comment: In-frame insertion of 3 amino acids in a non-repeat region; Has not been previously published as pathogenic or benign to our knowledge; Not observed at significant frequency in large population cohorts (gnomAD)